The following is an entry in ClinVar:

NM_015559.3(SETBP1):c.163A>G (p.Met55Val)

Gene: SETBP1 (SET binding protein 1; plus strand). Cytogenetic location: 18q12.3.
Variant type: single nucleotide variant.
Coding change: c.163A>G on transcript NM_015559.3 (MANE Select); coding-DNA position 163, A replaced by G.
Protein change: p.Met55Val; replaces methionine 55 with valine.
Molecular consequence: missense variant.
Genome position (GRCh38, 1-based): chr18:44,701,509, A>G. VCF-style: chr18-44701509-A-G. GRCh37 (hg19) VCF-style: chr18-42281474-A-G.
Other names: c.163A>G, p.Met55Val (NM_001130110.2, NM_001379141.1, NM_001379142.1 and 1 more transcripts); short protein forms M55V.
Identifiers: ClinVar variation 1984100 (VCV001984100.4), dbSNP rs2511332508, ClinGen allele CA402481557.

ClinVar aggregate classification (germline): Uncertain significance (1 of 4 stars; one submission).

Allele frequency attached by ClinVar (database versions not stated): gnomAD exomes below 0.00001.
gnomAD v4.1: 1 of 1,613,918 alleles (0.000062%); highest among the groups gnomAD compares: Non-Finnish European, 0.000085%; no homozygotes.

Submission:

Labcorp Genetics (formerly Invitae), Labcorp
Classification: Uncertain significance. Last evaluated: 2025-07-14. Review status: criteria provided, single submitter. Criteria: Invitae Variant Classification Sherloc (09022015). Collection method: clinical testing. Allele origin: germline.
Comment: This sequence change replaces methionine, which is neutral and non-polar, with valine, which is neutral and non-polar, at codon 55 of the SETBP1 protein (p.Met55Val). This variant is not present in population databases (gnomAD no frequency). This variant has not been reported in the literature in individuals affected with SETBP1-related conditions. ClinVar contains an entry for this variant (Variation ID: 1984100). An algorithm developed to predict the effect of missense changes on protein structure and function (PolyPhen-2) suggests that this variant is likely to be tolerated. In summary, the available evidence is currently insufficient to determine the role of this variant in disease. Therefore, it has been classified as a Variant of Uncertain Significance.